The following is an entry in ClinVar:

NM_052947.4(ALPK2):c.4285G>A (p.Gly1429Ser)

Genes: ALPK2 (alpha kinase 2; minus strand), LOC126862764 (BRD4-independent group 4 enhancer GRCh37_chr18:56202574-56203773; plus strand). Cytogenetic location: 18q21.31.
Variant type: single nucleotide variant.
Coding change: c.4285G>A on transcript NM_052947.4 (MANE Select); coding-DNA position 4285, G replaced by A.
Protein change: p.Gly1429Ser; replaces glycine 1429 with serine.
Molecular consequence: missense variant.
Genome position (GRCh38, 1-based): chr18:58,535,902, C>T on the plus strand (G>A on the coding strand, the complement: ALPK2 is on the minus strand). VCF-style: chr18-58535902-C-T. GRCh37 (hg19) VCF-style: chr18-56203134-C-T.
Other names: short protein forms G1429S.
Identifiers: ClinVar variation 1739375 (VCV001739375.2), dbSNP rs142602257, ClinGen allele CA8976741.
Genomic context (GRCh38, chr18:58,535,902, plus strand): 5'-GCTGGATTTCCGCTTCGTGGCCCATGTTTCCGTCATTTGATTGACCCCCTTCTCTGGCGC[C>T]CTGTGGTGTGGTTTCAGAGGGCTCTGGTTTTCCAGCCCTGGTGTACTCTATCACACTTAT-3'
Protein context (NP_443179.3, residues 1419-1439): KPEPSETTPQ[Gly1429Ser]AREGGQSNDG

ClinVar aggregate classification (germline): Uncertain significance (1 of 4 stars; one submission).

gnomAD v4.1: 19 of 1,614,164 alleles (0.0012%); highest among the groups gnomAD compares: Admixed American, 0.0017%; no homozygotes.

Submission:

Ambry Genetics
Classification: Uncertain significance. Last evaluated: 2023-10-01. Review status: criteria provided, single submitter. Criteria: Ambry Variant Classification Scheme 2023. Collection method: clinical testing. Allele origin: germline.
Comment: The p.G1429S variant (also known as c.4285G>A), located in coding exon 4 of the ALPK2 gene, results from a G to A substitution at nucleotide position 4285. The glycine at codon 1429 is replaced by serine, an amino acid with similar properties. This amino acid position is conserved. In addition, this alteration is predicted to be tolerated by in silico analysis. Since supporting evidence is limited at this time, the clinical significance of this alteration remains unclear.